The following is an entry in ClinVar:

NM_144508.5(KNL1):c.5271C>T (p.Cys1757=)

Gene: KNL1 (kinetochore scaffold 1; plus strand). Cytogenetic location: 15q15.1.
Variant type: single nucleotide variant.
Coding change: c.5271C>T on transcript NM_144508.5 (MANE Select); coding-DNA position 5271, C replaced by T.
Protein change: p.Cys1757=; no amino-acid change (cysteine 1757 retained).
Molecular consequence: synonymous variant.
Genome position (GRCh38, 1-based): chr15:40,625,535, C>T. VCF-style: chr15-40625535-C-T. GRCh37 (hg19) VCF-style: chr15-40917733-C-T.
Other names: c.5349C>T, p.Cys1783= (NM_170589.5).
Identifiers: ClinVar variation 210571 (VCV000210571.20), dbSNP rs191249840, ClinGen allele CA209147.

ClinVar aggregate classification (germline): Conflicting classifications of pathogenicity. Review status: criteria provided, conflicting classifications (1 of 4 stars). 5 submissions from 5 submitters: Uncertain significance (1); Benign (2); Likely benign (2). Last evaluated 2021-02-12.

Conditions:
Microcephaly 4, primary, autosomal recessive. Identifiers: Orphanet 2512, MedGen C1858516, MONDO:0011437, OMIM 604321.

Allele frequency attached by ClinVar (database versions not stated): gnomAD 0.00173; ESP Exome Variant Server 0.00187; TOPMed 0.00236; 1000 Genomes Project 0.00399; 1000 Genomes Project 30x 0.00515.
gnomAD v4.1: 685 of 1,607,592 alleles (0.043%); highest among the groups gnomAD compares: African/African-American, 0.74%; 2 homozygotes.

Submissions (5):

GeneDx
Classification: Likely benign. Last evaluated: 2021-02-12. Review status: criteria provided, single submitter. Criteria: GeneDx Variant Classification Process June 2021. Collection method: clinical testing. Allele origin: germline. Affected: yes.

Labcorp Genetics (formerly Invitae), Labcorp
Classification: Benign. Last evaluated: 2019-12-31. Review status: criteria provided, single submitter. Criteria: Invitae Variant Classification Sherloc (09022015). Collection method: clinical testing. Allele origin: germline.

Illumina Laboratory Services, Illumina
Classification: Likely benign for Microcephaly 4, primary, autosomal recessive. Last evaluated: 2018-01-13. Review status: criteria provided, single submitter. Criteria: ICSL Variant Classification Criteria 13 December 2019. Collection method: clinical testing. Allele origin: germline.
Comment: This variant was observed in the ICSL laboratory as part of a predisposition screen in an ostensibly healthy population. It had not been previously curated by ICSL or reported in the Human Gene Mutation Database (HGMD: prior to June 1st, 2018), and was therefore a candidate for classification through an automated scoring system. Utilizing variant allele frequency, disease prevalence and penetrance estimates, and inheritance mode, an automated score was calculated to assess if this variant is too frequent to cause the disease. Based on the score and internal cut-off values, a variant classified as likely benign is not then subjected to further curation. The score for this variant resulted in a classification of likely benign for this disease.

Eurofins Ntd Llc (ga)
Classification: Benign. Last evaluated: 2017-01-24. Review status: criteria provided, single submitter. Criteria: EGL Classification Definitions 2015. Collection method: clinical testing. Allele origin: germline. Observed: 1 variant allele, 1 heterozygote.

Genetic Services Laboratory, University of Chicago
Classification: Uncertain significance. Last evaluated: 2015-01-28. Review status: criteria provided, single submitter. Criteria: ACMG Guidelines, 2015. Collection method: clinical testing. Allele origin: germline.